The following is an entry in ClinVar:

NM_001042492.3(NF1):c.1788T>G (p.Ile596Met)

Gene: NF1 (neurofibromin 1; plus strand). Cytogenetic location: 17q11.2.
Variant type: single nucleotide variant.
Coding change: c.1788T>G on transcript NM_001042492.3 (MANE Select); coding-DNA position 1788, T replaced by G.
Protein change: p.Ile596Met; replaces isoleucine 596 with methionine.
Molecular consequence: missense variant.
Genome position (GRCh38, 1-based): chr17:31,223,510, T>G. VCF-style: chr17-31223510-T-G. GRCh37 (hg19) VCF-style: chr17-29550528-T-G.
Other names: c.1788T>G, p.Ile596Met (NM_000267.4); short protein forms I596M.
Identifiers: ClinVar variation 958510 (VCV000958510.7), dbSNP rs2066963288, ClinGen allele CA399004345.

ClinVar aggregate classification (germline): Uncertain significance. Review status: criteria provided, multiple submitters, no conflicts (2 of 4 stars). 2 submissions from 2 submitters: Uncertain significance (2). Last evaluated 2026-08-18.

Conditions:
Hereditary cancer-predisposing syndrome. Also called: Neoplastic Syndromes, Hereditary; Hereditary Cancer Syndrome; Tumor predisposition; Hereditary neoplastic syndrome. Identifiers: Orphanet 140162, MedGen C0027672, MeSH D009386, MONDO:0015356.
Cardiovascular phenotype. Identifiers: MedGen CN230736.
Neurofibromatosis, type 1 (NF1). Also called: Peripheral type neurofibromatosis; VON RECKLINGHAUSEN DISEASE; Neurofibromatosis, type I; NEUROFIBROMATOSIS, TYPE I, SOMATIC. Identifiers: Orphanet 636, MedGen C0027831, MONDO:0018975, OMIM 162200. Disease mechanism: loss of function.

Submissions (2):

Ambry Genetics
Classification: Uncertain significance for Cardiovascular phenotype; Hereditary cancer-predisposing syndrome. Last evaluated: 2026-08-18. Review status: criteria provided, single submitter. Criteria: Ambry Variant Classification Scheme 2023. Collection method: clinical testing. Allele origin: germline.
Comment: The p.I596M variant (also known as c.1788T>G), located in coding exon 16 of the NF1 gene, results from a T to G substitution at nucleotide position 1788. The isoleucine at codon 596 is replaced by methionine, an amino acid with highly similar properties. This amino acid position is conserved. In addition, this alteration is predicted to be tolerated by in silico analysis. Based on the available evidence, the clinical significance of this variant remains unclear.

Labcorp Genetics (formerly Invitae), Labcorp
Classification: Uncertain significance for Neurofibromatosis, type 1. Last evaluated: 2019-11-11. Review status: criteria provided, single submitter. Criteria: Invitae Variant Classification Sherloc (09022015). Collection method: clinical testing. Allele origin: germline.
Comment: This sequence change replaces isoleucine with methionine at codon 596 of the NF1 protein (p.Ile596Met). The isoleucine residue is moderately conserved and there is a small physicochemical difference between isoleucine and methionine. This variant is not present in population databases (ExAC no frequency). This variant has not been reported in the literature in individuals with NF1-related conditions. Algorithms developed to predict the effect of missense changes on protein structure and function are either unavailable or do not agree on the potential impact of this missense change (SIFT: "Deleterious"; PolyPhen-2: "Possibly Damaging"; Align-GVGD: "Class C0"). In summary, the available evidence is currently insufficient to determine the role of this variant in disease. Therefore, it has been classified as a Variant of Uncertain Significance.